The following is an entry in ClinVar:

ClinVar aggregate classification (germline): Likely benign. Review status: criteria provided, multiple submitters, no conflicts (2 of 4 stars). 2 submissions from 2 submitters: Likely benign (2). Last evaluated 2023-12-12.

Allele frequency attached by ClinVar (database versions not stated): TOPMed 0.00001; gnomAD 0.00002.
gnomAD v4.1: 19 of 1,525,196 alleles (0.0012%); highest among the groups gnomAD compares: Non-Finnish European, 0.0017%; no homozygotes.

Submissions (2):

Labcorp Genetics (formerly Invitae), Labcorp
Classification: Likely benign. Last evaluated: 2023-12-12. Review status: criteria provided, single submitter. Criteria: Invitae Variant Classification Sherloc (09022015). Collection method: clinical testing. Allele origin: germline.

CeGaT Center for Human Genetics Tuebingen
Classification: Likely benign. Last evaluated: 2023-12-01. Review status: criteria provided, single submitter. Criteria: CeGaT Center For Human Genetics Tuebingen Variant Classification Criteria Version 2. Collection method: clinical testing. Allele origin: germline. Affected: yes. Observed: 1 variant allele.
Comment: VPS53: BP4, BP7

NM_001128159.3(VPS53):c.2490G>A (p.Lys830=)

Gene: VPS53 (VPS53 subunit of GARP complex; minus strand). Cytogenetic location: 17p13.3.
Variant type: single nucleotide variant.
Coding change: c.2490G>A on transcript NM_001128159.3 (MANE Select); coding-DNA position 2490, G replaced by A.
Protein change: p.Lys830=; no amino-acid change (lysine 830 retained).
Molecular consequence: synonymous variant.
Genome position (GRCh38, 1-based): chr17:519,137, C>T on the plus strand (G>A on the coding strand, the complement: VPS53 is on the minus strand). VCF-style: chr17-519137-C-T. GRCh37 (hg19) VCF-style: chr17-422377-C-T.
Identifiers: ClinVar variation 2958360 (VCV002958360.25), dbSNP rs1392629585, ClinGen allele CA497342983.